The following is an entry in ClinVar:

ClinVar aggregate classification (germline): Uncertain significance (1 of 4 stars; one submission).

Conditions:
Glycogen storage disease type III (GSD3). Also called: Cori disease; FORBES DISEASE. Identifiers: Orphanet 366, MedGen C0017922, MONDO:0009291, OMIM 232400.

Submission:

Labcorp Genetics (formerly Invitae), Labcorp
Classification: Uncertain significance for Glycogen storage disease type III. Last evaluated: 2021-09-01. Review status: criteria provided, single submitter. Criteria: Invitae Variant Classification Sherloc (09022015). Collection method: clinical testing. Allele origin: germline.
Comment: This sequence change replaces tyrosine with cysteine at codon 660 of the AGL protein (p.Tyr660Cys). The tyrosine residue is highly conserved and there is a large physicochemical difference between tyrosine and cysteine. This variant is not present in population databases (ExAC no frequency). This variant has not been reported in the literature in individuals affected with AGL-related conditions. Algorithms developed to predict the effect of missense changes on protein structure and function are either unavailable or do not agree on the potential impact of this missense change (SIFT: "Deleterious"; PolyPhen-2: "Probably Damaging"; Align-GVGD: "Class C0"). In summary, the available evidence is currently insufficient to determine the role of this variant in disease. Therefore, it has been classified as a Variant of Uncertain Significance.

NM_000642.3(AGL):c.1979A>G (p.Tyr660Cys)

Gene: AGL (amylo-alpha-1,6-glucosidase and 4-alpha-glucanotransferase; plus strand). Cytogenetic location: 1p21.2.
Variant type: single nucleotide variant.
Coding change: c.1979A>G on transcript NM_000642.3 (MANE Select); coding-DNA position 1979, A replaced by G.
Protein change: p.Tyr660Cys; replaces tyrosine 660 with cysteine.
Molecular consequence: missense variant.
Genome position (GRCh38, 1-based): chr1:99,881,155, A>G. VCF-style: chr1-99881155-A-G. GRCh37 (hg19) VCF-style: chr1-100346711-A-G.
Other names: c.1979A>G, p.Tyr660Cys (NM_000028.3, NM_000643.3, NM_000644.3 and 2 more transcripts); c.1931A>G, p.Tyr644Cys (NM_000646.3); c.1778A>G, p.Tyr593Cys (NM_001425327.1); c.1775A>G, p.Tyr592Cys (NM_001425328.1, NM_001425329.1); c.1601A>G, p.Tyr534Cys (NM_001425332.1); short protein forms Y644C, Y660C, Y534C, Y592C, Y593C.
Identifiers: ClinVar variation 2149375 (VCV002149375.1), dbSNP rs188519129, ClinGen allele CA341318237.